The following is an entry in ClinVar:

ClinVar aggregate classification (germline): Conflicting classifications of pathogenicity. Review status: criteria provided, conflicting classifications (1 of 4 stars). 3 submissions from 3 submitters: Uncertain significance (1); Likely benign (1). 1 of the submissions does not count toward it. Last evaluated 2023-03-23.

Conditions:
Hereditary cancer-predisposing syndrome. Also called: Hereditary Cancer Syndrome; Neoplastic Syndromes, Hereditary; Hereditary neoplastic syndrome; Tumor predisposition. Identifiers: Orphanet 140162, MedGen C0027672, MeSH D009386, MONDO:0015356.
Breast-ovarian cancer, familial, susceptibility to, 1 (BROVCA1). Also called: BRCA1 Hereditary Breast and Ovarian Cancer; OVARIAN CANCER, SUSCEPTIBILITY TO. Identifiers: Orphanet 145, MedGen C2676676, MONDO:0011450, OMIM 604370. Disease mechanism: loss of function.

Submissions (3):

University of Washington Department of Laboratory Medicine, University of Washington
Classification: Likely benign for Hereditary cancer-predisposing syndrome. Last evaluated: 2023-03-23. Review status: criteria provided, single submitter. Criteria: Dines et al. (Genet Med. 2020). Collection method: curation. Allele origin: germline.
Comment: Missense variant in a coldspot region where missense variants are very unlikely to be pathogenic (PMID:31911673).

BRCA1 coldspot (exon 11 using historical exon numbering). Reclassification based on statistical prior probability

Ambry Genetics
Classification: Uncertain significance for Hereditary cancer-predisposing syndrome. Last evaluated: 2021-02-04. Review status: criteria provided, single submitter. Criteria: Ambry Variant Classification Scheme 2023. Collection method: clinical testing. Allele origin: germline.
Comment: The p.E1060Q variant (also known as c.3178G>C), located in coding exon 9 of the BRCA1 gene, results from a G to C substitution at nucleotide position 3178. The glutamic acid at codon 1060 is replaced by glutamine, an amino acid with highly similar properties. This amino acid position is highly conserved in available vertebrate species. In addition, the in silico prediction for this alteration is inconclusive. Since supporting evidence is limited at this time, the clinical significance of this alteration remains unclear.

Sharing Clinical Reports Project (SCRP)
Classification: Uncertain significance for Breast-ovarian cancer, familial 1. Last evaluated: 2010-10-28. Review status: no assertion criteria provided. Collection method: clinical testing. Allele origin: germline. Not counted in ClinVar's aggregate classification.

Literature cited by the submitters: PubMed 29641532 (cited by Ambry Genetics).

NM_007294.4(BRCA1):c.3178G>C (p.Glu1060Gln)

Gene: BRCA1 (BRCA1 DNA repair associated; minus strand). Cytogenetic location: 17q21.31.
Variant type: single nucleotide variant.
Coding change: c.3178G>C on transcript NM_007294.4 (MANE Select); coding-DNA position 3178, G replaced by C.
Protein change: p.Glu1060Gln; replaces glutamic acid 1060 with glutamine.
Molecular consequence: missense variant. On other transcripts: intron variant (137).
Genome position (GRCh38, 1-based): chr17:43,092,353, C>G on the plus strand (G>C on the coding strand, the complement: BRCA1 is on the minus strand). VCF-style: chr17-43092353-C-G. GRCh37 (hg19) VCF-style: chr17-41244370-C-G.
Other names: 3297G>C; c.2965G>C, p.Glu989Gln (NM_001407571.1, NM_001407853.1, NM_001407897.1 and 9 more transcripts); c.3178G>C, p.Glu1060Gln (NM_001407581.1, NM_001407582.1, NM_001407583.1 and 30 more transcripts); c.3175G>C, p.Glu1059Gln (NM_001407587.1, NM_001407590.1, NM_001407591.1 and 22 more transcripts); c.3169G>C, p.Glu1057Gln (NM_001407646.1, NM_001407647.1); c.3055G>C, p.Glu1019Gln (NM_001407648.1, NM_001407664.1, NM_001407665.1 and 19 more transcripts); c.3052G>C, p.Glu1018Gln (NM_001407649.1, NM_001407670.1, NM_001407671.1 and 11 more transcripts); c.3100G>C, p.Glu1034Gln (NM_001407653.1, NM_001407654.1, NM_001407655.1 and 4 more transcripts); and 42 more; short protein forms E1060Q, E1013Q, E1018Q, E1034Q, E764Q, E989Q, E1057Q, E892Q.
Identifiers: ClinVar variation 252872 (VCV000252872.9), dbSNP rs80357424, ClinGen allele CA10586102.
Genomic context (GRCh38, chr17:43,092,353, plus strand): 5'-ATTTTGGCCCTCTGTTTCTACCTAGTTCTGCTTGAATGTTTTCATCACTGGAACCTATTT[C>G]ATTAATACTGGAGCCCACTTCATTAGTACTGGAACCTACTTCATTAATATTGCTTGAGCT-3'
Protein context (NP_009225.1, residues 1050-1070): STNEVGSSIN[Glu1060Gln]IGSSDENIQA